The following is an entry in ClinVar:

NM_021076.4(NEFH):c.1581G>A (p.Pro527=)

Gene: NEFH (neurofilament heavy chain; plus strand). Cytogenetic location: 22q12.2.
Variant type: single nucleotide variant.
Coding change: c.1581G>A on transcript NM_021076.4 (MANE Select); coding-DNA position 1581, G replaced by A.
Protein change: p.Pro527=; no amino-acid change (proline 527 retained).
Molecular consequence: synonymous variant.
Genome position (GRCh38, 1-based): chr22:29,489,221, G>A. VCF-style: chr22-29489221-G-A. GRCh37 (hg19) VCF-style: chr22-29885210-G-A.
Identifiers: ClinVar variation 769479 (VCV000769479.10), dbSNP rs377204524, ClinGen allele CA10174236.

ClinVar aggregate classification (germline): Likely benign. Review status: criteria provided, single submitter (1 of 4 stars). 2 submissions from 2 submitters: Likely benign (1). 1 of the submissions does not count toward it. Last evaluated 2025-09-22.

Conditions:
NEFH-related disorder. Also called: NEFH-related condition.

Allele frequency attached by ClinVar (database versions not stated): ExAC 0.00002; TOPMed 0.00006; gnomAD 0.00003 and 0.00004; gnomAD exomes 0.00003 and 0.00005; ESP Exome Variant Server 0.00008.
gnomAD v4.1: 53 of 1,614,086 alleles (0.0033%); highest among the groups gnomAD compares: Admixed American, 0.0083%; no homozygotes.

Submissions (2):

Labcorp Genetics (formerly Invitae), Labcorp
Classification: Likely benign. Last evaluated: 2025-09-22. Review status: criteria provided, single submitter. Criteria: Invitae Variant Classification Sherloc (09022015). Collection method: clinical testing. Allele origin: germline.

PreventionGenetics, part of Exact Sciences
Classification: Likely benign for NEFH-related condition. Last evaluated: 2019-09-11. Review status: no assertion criteria provided. Collection method: clinical testing. Allele origin: germline. Not counted in ClinVar's aggregate classification.
Comment: This variant is classified as likely benign based on ACMG/AMP sequence variant interpretation guidelines (Richards et al. 2015 PMID: 25741868, with internal and published modifications).